The following is an entry in ClinVar:

ClinVar aggregate classification (germline): Uncertain significance (1 of 4 stars; one submission).

Submission:

GeneDx
Classification: Uncertain significance. Last evaluated: 2023-05-20. Review status: criteria provided, single submitter. Criteria: GeneDx Variant Classification Process June 2021. Collection method: clinical testing. Allele origin: germline. Affected: yes.
Comment: Not observed at significant frequency in large population cohorts (gnomAD); In-frame deletion of 1 amino acid in a non-repeat region; In silico analysis supports a deleterious effect on protein structure/function; Has not been previously published as pathogenic or benign to our knowledge

NM_001197104.2(KMT2A):c.6412TAT[1] (p.Tyr2139del)

Gene: KMT2A (lysine methyltransferase 2A; plus strand). Cytogenetic location: 11q23.3.
Variant type: Microsatellite.
Coding change: c.6412TAT[1] on transcript NM_001197104.2 (MANE Select); one copy of the 3-base unit TAT starting at c.6412; the reference has two copies in a row; one copy, 3 bases deleted; also written c.6415_6417del.
Protein change: p.Tyr2139del; deletes tyrosine 2139.
Molecular consequence: inframe deletion. On other transcripts: inframe indel (2).
Genome position (GRCh38, 1-based): chr11:118,501,767-118,501,769, TAT deleted; deleting any 3 consecutive bases within chr11:118,501,763-118,501,769 gives the same sequence; the position shown is the placement nearest the transcript's 3' end. VCF-style (leftmost placement, unchanged base first): chr11-118501762-GTTA-G. GRCh37 (hg19) VCF-style: chr11-118372477-GTTA-G.
Other names: c.6502TAT[1], p.Tyr2169del (NM_001412597.1); c.6412_6414TAT[1], p.Tyr2139del (NM_001197104.1); c.6403TAT[1], p.Tyr2136del (NM_005933.4); c.6415_6417del (NM_001197104.1); short protein forms Y2136del, Y2139del, Y2169del.
Identifiers: ClinVar variation 3343636 (VCV003343636.1).
Genomic context (GRCh38, chr11:118,501,762, plus strand): 5'-CTGAAATTATAAGTCCTCCATCACCAGACCGACCTCCTCATTCACAAACCTCTGGCTCCT[GTTA>G]TTATCATGTCATCTCAAAGGTCCCCAGGATTCGAACACCCAGTTATTCTCCAACACAGAG-3'